The following is an entry in ClinVar:

ClinVar aggregate classification (germline): Pathogenic/Likely pathogenic. Review status: criteria provided, multiple submitters, no conflicts (2 of 4 stars). 4 submissions from 4 submitters: Pathogenic (2); Likely pathogenic (2). Last evaluated 2024-05-01.

Conditions:
Autosomal recessive limb-girdle muscular dystrophy type 2D (LGMDR3). Also called: DUCHENNE-LIKE AUTOSOMAL RECESSIVE MUSCULAR DYSTROPHY, TYPE 2; MUSCULAR DYSTROPHY, LIMB-GIRDLE, AUTOSOMAL RECESSIVE 3; ADHALINOPATHY, PRIMARY. Identifiers: Orphanet 62, MedGen C2936332, MONDO:0011968, OMIM 608099. Disease mechanism: Affects gamma-sarcoglycan and also disrupts the integrity of the entire sarcoglycan complex..

Submissions (4):

Myriad Genetics, Inc.
Classification: Pathogenic for Autosomal recessive limb-girdle muscular dystrophy type 2D. Last evaluated: 2024-05-01. Review status: criteria provided, single submitter. Criteria: Myriad Autosomal Dominant, Autosomal Recessive and X-Linked Classification Criteria (2023). Collection method: clinical testing. Allele origin: unknown.
Comment: NM_000023.2(SGCA):c.183dupC(Y62Lfs*43) is expected to be pathogenic in the context of alpha-sarcoglycanopathy. This variant is predicted to lead to an abnormal or absent protein product due to the creation of a premature termination codon in SGCA, a gene where loss-of-function variants are known to be pathogenic. Please note: this variant was assessed in the context of healthy population screening.

Baylor Genetics
Classification: Likely pathogenic for Autosomal recessive limb-girdle muscular dystrophy type 2D. Last evaluated: 2023-05-28. Review status: criteria provided, single submitter. Criteria: ACMG Guidelines, 2015. Collection method: clinical testing. Allele origin: unknown.

Revvity Omics, Revvity
Classification: Likely pathogenic for Autosomal recessive limb-girdle muscular dystrophy type 2D. Last evaluated: 2022-03-15. Review status: criteria provided, single submitter. Criteria: ACMG Guidelines, 2015. Collection method: clinical testing. Allele origin: germline.

Eurofins Ntd Llc (ga)
Classification: Pathogenic. Last evaluated: 2016-09-15. Review status: criteria provided, single submitter. Criteria: EGL Classification Definitions. Collection method: clinical testing. Allele origin: germline. Observed: 1 variant allele, 1 heterozygote.
Comment: The c.183dupC SGCA pathogenic variant has not been reported in individuals with disease but is of a type expected to cause disease. AKT 9/15/16

NM_000023.4(SGCA):c.183dup (p.Tyr62fs)

Gene: SGCA (sarcoglycan alpha; plus strand). Cytogenetic location: 17q21.33.
Variant type: Duplication.
Coding change: c.183dup on transcript NM_000023.4 (MANE Select); coding-DNA position 183, one base duplicated (C; older notation c.183dupC).
Protein change: p.Tyr62fs; shifts the reading frame from tyrosine 62.
Molecular consequence: frameshift variant. On other transcripts: non-coding transcript variant (1).
Genome position (GRCh38, 1-based): chr17:50,167,607, C duplicated; the last of 2 consecutive C bases (chr17:50,167,606-50,167,607); duplicating either gives the same sequence. VCF-style (leftmost placement, unchanged base first): chr17-50167605-A-AC. GRCh37 (hg19) VCF-style: chr17-48244966-A-AC.
Other names: c.183dup, p.Tyr62fs (NM_001135697.3); short protein forms Y62fs.
Identifiers: ClinVar variation 291210 (VCV000291210.11), dbSNP rs886044688, ClinGen allele CA10607061.